The following is an entry in ClinVar:

ClinVar aggregate classification (germline): Likely benign (1 of 4 stars; one submission).

gnomAD v4.1: 530 of 1,380,190 alleles (0.038%); highest among the groups gnomAD compares: Non-Finnish European, 0.048%; no homozygotes.

Submission:

CeGaT Center for Human Genetics Tuebingen
Classification: Likely benign. Last evaluated: 2025-05-01. Review status: criteria provided, single submitter. Criteria: CeGaT Center For Human Genetics Tuebingen Variant Classification Criteria Version 2. Collection method: clinical testing. Allele origin: germline. Affected: yes. Observed: 1 variant allele.
Comment: DOHH: BP4, BP7

NM_001145165.2(DOHH):c.357C>T (p.Ala119=)

Gene: DOHH (deoxyhypusine hydroxylase; minus strand). Cytogenetic location: 19p13.3.
Variant type: single nucleotide variant.
Coding change: c.357C>T on transcript NM_001145165.2 (MANE Select); coding-DNA position 357, C replaced by T.
Protein change: p.Ala119=; no amino-acid change (alanine 119 retained).
Molecular consequence: synonymous variant.
Genome position (GRCh38, 1-based): chr19:3,492,494, G>A on the plus strand (C>T on the coding strand, the complement: DOHH is on the minus strand). VCF-style: chr19-3492494-G-A. GRCh37 (hg19) VCF-style: chr19-3492492-G-A.
Other names: c.357C>T, p.Ala119= (NM_031304.5).
Identifiers: ClinVar variation 3905509 (VCV003905509.10).